The following is an entry in ClinVar:

ClinVar aggregate classification (germline): Uncertain significance. Review status: criteria provided, multiple submitters, no conflicts (2 of 4 stars). 5 submissions from 4 submitters: Uncertain significance (5). Last evaluated 2025-08-11.

Conditions:
Junctional epidermolysis bullosa gravis of Herlitz. Also called: JEB-HERLITZ TYPE; EPIDERMOLYSIS BULLOSA JUNCTIONALIS, HERLITZ TYPE; EPIDERMOLYSIS BULLOSA, JUNCTIONAL, HERLITZ-PEARSON TYPE; Herlitz-type junctional epidermolysis bullosa; EPIDERMOLYSIS BULLOSA, JUNCTIONAL 1B, SEVERE; Epidermolysis Bullosa Letalis. Identifiers: Orphanet 79404, MedGen C0079683, MONDO:0009182, OMIM 226700.
Inborn genetic diseases. Identifiers: MedGen C0950123, MeSH D030342.
Laryngo-onycho-cutaneous syndrome (JEB2C). Also called: LOGIC SYNDROME; EPIDERMOLYSIS BULLOSA, JUNCTIONAL 2C, LARYNGOONYCHOCUTANEOUS; SHABBIR SYNDROME. Identifiers: Orphanet 2407, MedGen C1328355, MONDO:0009513, OMIM 245660.
Epidermolysis bullosa, junctional 2B, severe. Also called: EPIDERMOLYSIS BULLOSA, JUNCTIONAL 2B, GENERALIZED SEVERE; EPIDERMOLYSIS BULLOSA, JUNCTIONAL 2B, HERLITZ TYPE. Identifiers: MedGen C5676937, MONDO:0030747, OMIM 619784.
Epidermolysis bullosa, junctional 2A, intermediate. Also called: EPIDERMOLYSIS BULLOSA, JUNCTIONAL 2A, GENERALIZED INTERMEDIATE; EPIDERMOLYSIS BULLOSA, JUNCTIONAL 2A, NON-HERLITZ TYPE. Identifiers: MedGen C5676936, MONDO:0030746, OMIM 619783.

Allele frequency attached by ClinVar (database versions not stated): gnomAD exomes 0.00004 and 0.00012; ExAC 0.00007; gnomAD 0.00009 and 0.00011; TOPMed 0.00009; ESP Exome Variant Server 0.00015.
gnomAD v4.1: 182 of 1,613,702 alleles (0.011%); highest among the groups gnomAD compares: Non-Finnish European, 0.015%; no homozygotes.

Submissions (5):

Labcorp Genetics (formerly Invitae), Labcorp
Classification: Uncertain significance. Last evaluated: 2025-08-11. Review status: criteria provided, single submitter. Criteria: Invitae Variant Classification Sherloc (09022015). Collection method: clinical testing. Allele origin: germline.
Comment: This sequence change replaces arginine, which is basic and polar, with histidine, which is basic and polar, at codon 1083 of the LAMA3 protein (p.Arg1083His). This variant is present in population databases (rs139915002, gnomAD 0.006%). This variant has not been reported in the literature in individuals affected with LAMA3-related conditions. ClinVar contains an entry for this variant (Variation ID: 890474). Invitae Evidence Modeling of protein sequence and biophysical properties (such as structural, functional, and spatial information, amino acid conservation, physicochemical variation, residue mobility, and thermodynamic stability) has been performed for this missense variant. However, the output from this modeling did not meet the statistical confidence thresholds required to predict the impact of this variant on LAMA3 protein function. In summary, the available evidence is currently insufficient to determine the role of this variant in disease. Therefore, it has been classified as a Variant of Uncertain Significance.

Ambry Genetics
Classification: Uncertain significance for Inborn genetic diseases. Last evaluated: 2025-06-23. Review status: criteria provided, single submitter. Criteria: Ambry Variant Classification Scheme 2023. Collection method: clinical testing. Allele origin: germline.

Fulgent Genetics
Classification: Uncertain significance for Junctional epidermolysis bullosa gravis of Herlitz; Laryngo-onycho-cutaneous syndrome; Epidermolysis bullosa, junctional 2A, intermediate; Epidermolysis bullosa, junctional 2B, severe. Last evaluated: 2022-01-26. Review status: criteria provided, single submitter. Criteria: ACMG Guidelines, 2015. Collection method: clinical testing. Allele origin: unknown.

Illumina Laboratory Services, Illumina
Classification: Uncertain significance for Laryngo-onycho-cutaneous syndrome. Last evaluated: 2018-01-13. Review status: criteria provided, single submitter. Criteria: ICSL Variant Classification Criteria 13 December 2019. Collection method: clinical testing. Allele origin: germline.

Illumina Laboratory Services, Illumina
Classification: Uncertain significance for Junctional epidermolysis bullosa gravis of Herlitz. Last evaluated: 2018-01-13. Review status: criteria provided, single submitter. Criteria: ICSL Variant Classification Criteria 13 December 2019. Collection method: clinical testing. Allele origin: germline.

NM_198129.4(LAMA3):c.8075G>A (p.Arg2692His)

Gene: LAMA3 (laminin subunit alpha 3; plus strand). Cytogenetic location: 18q11.2.
Variant type: single nucleotide variant.
Coding change: c.8075G>A on transcript NM_198129.4 (MANE Select); coding-DNA position 8075, G replaced by A.
Protein change: p.Arg2692His; replaces arginine 2692 with histidine.
Molecular consequence: missense variant.
Genome position (GRCh38, 1-based): chr18:23,921,483, G>A. VCF-style: chr18-23921483-G-A. GRCh37 (hg19) VCF-style: chr18-21501447-G-A.
Other names: c.3248G>A, p.Arg1083His (NM_000227.6); c.7907G>A, p.Arg2636His (NM_001127717.4); c.3080G>A, p.Arg1027His (NM_001127718.4); short protein forms R2692H, R1027H, R1083H, R2636H.
Identifiers: ClinVar variation 890474 (VCV000890474.7), dbSNP rs139915002, ClinGen allele CA8916830.